The following is an entry in ClinVar:

NM_198904.4(GABRG2):c.1153-7G>A

Gene: GABRG2 (gamma-aminobutyric acid type A receptor subunit gamma2; plus strand). Cytogenetic location: 5q34.
Variant type: single nucleotide variant.
Coding change: c.1153-7G>A on transcript NM_198904.4 (MANE Select); 7 bases into the intron before coding-DNA position 1153, G replaced by A.
Molecular consequence: intron variant.
Genome position (GRCh38, 1-based): chr5:162,153,086, G>A. VCF-style: chr5-162153086-G-A. GRCh37 (hg19) VCF-style: chr5-161580092-G-A.
Other names: c.1129-7G>A (NM_000816.3); c.844-7G>A (NM_001375349.1); c.1249-7G>A (NM_001375343.1); c.1192-7G>A (NM_001375344.1); c.947-7G>A (NM_001375340.1); c.1150-7G>A (NM_001375341.1); c.1126-7G>A (NM_001375342.1); c.733-7G>A (NM_001375350.1); and 6 more.
Identifiers: ClinVar variation 697000 (VCV000697000.40), dbSNP rs372884176, ClinGen allele CA3544966.

ClinVar aggregate classification (germline): Benign/Likely benign. Review status: criteria provided, multiple submitters, no conflicts (2 of 4 stars). 5 submissions from 5 submitters: Benign (1); Likely benign (4). Last evaluated 2025-10-01.

Conditions:
EPILEPSY, CHILDHOOD ABSENCE, SUSCEPTIBILITY TO, 2 (ECA2). Identifiers: Orphanet 64280, MedGen C1843244, OMIM 607681.
Febrile seizures, familial, 8 (FEB8). Also called: CONVULSIONS, FAMILIAL FEBRILE, 8. Identifiers: Orphanet 36387, MedGen C1969810, MONDO:0011891, OMIM 607681.

Allele frequency attached by ClinVar (database versions not stated): TOPMed 0.00004; gnomAD 0.00007; gnomAD exomes 0.00007; ExAC 0.00011; ESP Exome Variant Server 0.00015; 1000 Genomes Project 0.00020; 1000 Genomes Project 30x 0.00031.
gnomAD v4.1: 61 of 1,613,682 alleles (0.0038%); highest among the groups gnomAD compares: Middle Eastern, 0.033%; no homozygotes.

Submissions (5):

Labcorp Genetics (formerly Invitae), Labcorp
Classification: Likely benign for Febrile seizures, familial, 8; EPILEPSY, CHILDHOOD ABSENCE, SUSCEPTIBILITY TO, 2. Last evaluated: 2025-10-01. Review status: criteria provided, single submitter. Criteria: Invitae Variant Classification Sherloc (09022015). Collection method: clinical testing. Allele origin: germline.

Laboratory of Genetics, Children's Clinical University Hospital Latvia
Classification: Likely benign. Last evaluated: 2025-02-16. Review status: criteria provided, single submitter. Criteria: ACMG Guidelines, 2015. Collection method: clinical testing. Allele origin: germline. Affected: yes.

Blueprint Genetics
Classification: Likely benign. Last evaluated: 2024-07-04. Review status: criteria provided, single submitter. Criteria: ACMG Guidelines, 2015. Collection method: clinical testing. Allele origin: germline.

CeGaT Center for Human Genetics Tuebingen
Classification: Likely benign. Last evaluated: 2023-02-01. Review status: criteria provided, single submitter. Criteria: CeGaT Center For Human Genetics Tuebingen Variant Classification Criteria Version 2. Collection method: clinical testing. Allele origin: germline. Affected: yes. Observed: 2 variant alleles.
Comment: GABRG2: BP4, BS1

GeneDx
Classification: Benign. Last evaluated: 2015-03-03. Review status: criteria provided, single submitter. Criteria: GeneDx Variant Classification Process June 2021. Collection method: clinical testing. Allele origin: germline. Affected: yes.